The following is an entry in ClinVar:

NM_080473.5(GATA5):c.412T>C (p.Tyr138His)

Gene: GATA5 (GATA binding protein 5; minus strand). Cytogenetic location: 20q13.33.
Variant type: single nucleotide variant.
Coding change: c.412T>C on transcript NM_080473.5 (MANE Select); coding-DNA position 412, T replaced by C.
Protein change: p.Tyr138His; replaces tyrosine 138 with histidine.
Molecular consequence: missense variant.
Genome position (GRCh38, 1-based): chr20:62,475,110, A>G on the plus strand (T>C on the coding strand, the complement: GATA5 is on the minus strand). VCF-style: chr20-62475110-A-G. GRCh37 (hg19) VCF-style: chr20-61050166-A-G.
Other names: short protein forms Y138H.
Identifiers: ClinVar variation 2730275 (VCV002730275.3), dbSNP rs1450455667, ClinGen allele CA409556427.

ClinVar aggregate classification (germline): Uncertain significance (1 of 4 stars; one submission).

gnomAD v4.1: 8 of 1,392,016 alleles (0.00057%); highest among the groups gnomAD compares: Non-Finnish European, 0.00075%; no homozygotes.

Submission:

Labcorp Genetics (formerly Invitae), Labcorp
Classification: Uncertain significance. Last evaluated: 2025-05-01. Review status: criteria provided, single submitter. Criteria: Invitae Variant Classification Sherloc (09022015). Collection method: clinical testing. Allele origin: germline.
Comment: This sequence change replaces tyrosine, which is neutral and polar, with histidine, which is basic and polar, at codon 138 of the GATA5 protein (p.Tyr138His). The frequency data for this variant in the population databases is considered unreliable, as metrics indicate poor data quality at this position in the gnomAD database. This variant has not been reported in the literature in individuals affected with GATA5-related conditions. ClinVar contains an entry for this variant (Variation ID: 2730275). Invitae Evidence Modeling of protein sequence and biophysical properties (such as structural, functional, and spatial information, amino acid conservation, physicochemical variation, residue mobility, and thermodynamic stability) indicates that this missense variant is not expected to disrupt GATA5 protein function with a negative predictive value of 80%. In summary, the available evidence is currently insufficient to determine the role of this variant in disease. Therefore, it has been classified as a Variant of Uncertain Significance.